The following is an entry in ClinVar:

ClinVar aggregate classification (germline): Uncertain significance. Review status: criteria provided, multiple submitters, no conflicts (2 of 4 stars). 2 submissions from 2 submitters: Uncertain significance (2). Last evaluated 2025-12-10.

Allele frequency attached by ClinVar (database versions not stated): TOPMed 0.00002; gnomAD 0.00001.
gnomAD v4.1: 22 of 1,610,724 alleles (0.0014%); highest among the groups gnomAD compares: East Asian, 0.013%; no homozygotes.

Submissions (2):

Ambry Genetics
Classification: Uncertain significance. Last evaluated: 2025-12-10. Review status: criteria provided, single submitter. Criteria: Ambry Variant Classification Scheme 2023. Collection method: clinical testing. Allele origin: germline.

Genetic Services Laboratory, University of Chicago
Classification: Uncertain significance. Last evaluated: 2020-08-21. Review status: criteria provided, single submitter. Criteria: ACMG Guidelines, 2015. Collection method: clinical testing. Allele origin: germline. Affected: no.
Comment: DNA sequence analysis of the UCP2 gene demonstrated a sequence change, c.800G>A, in exon 7 that results in an amino acid change, p.Arg267Gln. This sequence change does not appear to have been previously described in patients with UCP2-related disorders and been described in the gnomAD database with a low population frequency of 0.0025% (dbSNP rs753260142). The p.Arg267Gln change affects a moderately conserved amino acid residue located in a domain of the UCP2 protein that is known to be functional. The p.Arg267Gln substitution appears to be benign using several in-silico pathogenicity prediction tools (SIFT, PolyPhen2, Align GVGD, REVEL). Due to these evidences and the lack of functional studies, the clinical significance of the p.Arg267Gln change remains unknown at this time.

NM_003355.3(UCP2):c.800G>A (p.Arg267Gln)

Gene: UCP2 (uncoupling protein 2; minus strand). Cytogenetic location: 11q13.4.
Variant type: single nucleotide variant.
Coding change: c.800G>A on transcript NM_003355.3 (MANE Select); coding-DNA position 800, G replaced by A.
Protein change: p.Arg267Gln; replaces arginine 267 with glutamine.
Molecular consequence: missense variant.
Genome position (GRCh38, 1-based): chr11:73,975,506, C>T on the plus strand (G>A on the coding strand, the complement: UCP2 is on the minus strand). VCF-style: chr11-73975506-C-T. GRCh37 (hg19) VCF-style: chr11-73686551-C-T.
Other names: c.800G>A, p.Arg267Gln (NM_001381943.1, NM_001381944.1, NM_001381945.1 and 2 more transcripts); c.698G>A, p.Arg233Gln (NM_001381949.1); c.605G>A, p.Arg202Gln (NM_001381950.1); short protein forms R202Q, R233Q, R267Q.
Identifiers: ClinVar variation 1337658 (VCV001337658.7), dbSNP rs753260142, ClinGen allele CA6181031.